The following is an entry in ClinVar:

NM_006648.4(WNK2):c.1313A>G (p.Lys438Arg)

Gene: WNK2 (WNK lysine deficient protein kinase 2; plus strand). Cytogenetic location: 9q22.31.
Variant type: single nucleotide variant.
Coding change: c.1313A>G on transcript NM_006648.4 (MANE Select); coding-DNA position 1313, A replaced by G.
Protein change: p.Lys438Arg; replaces lysine 438 with arginine.
Molecular consequence: missense variant.
Genome position (GRCh38, 1-based): chr9:93,238,312, A>G. VCF-style: chr9-93238312-A-G. GRCh37 (hg19) VCF-style: chr9-96000594-A-G.
Other names: c.1313A>G, p.Lys438Arg (NM_001282394.3); short protein forms K438R.
Identifiers: ClinVar variation 3470369 (VCV003470369.1).

ClinVar aggregate classification (germline): Uncertain significance (1 of 4 stars; one submission).

gnomAD v4.1: 1 of 1,614,018 alleles (0.000062%); highest among the groups gnomAD compares: Non-Finnish European, 0.000085%; no homozygotes.

Submission:

Ambry Genetics
Classification: Uncertain significance. Last evaluated: 2024-11-24. Review status: criteria provided, single submitter. Criteria: Ambry Variant Classification Scheme 2023. Collection method: clinical testing. Allele origin: germline.
Comment: The p.K438R variant (also known as c.1313A>G), located in coding exon 5 of the WNK2 gene, results from an A to G substitution at nucleotide position 1313. The lysine at codon 438 is replaced by arginine, an amino acid with highly similar properties. This amino acid position is conserved. In addition, this alteration is predicted to be tolerated by in silico analysis. Based on the available evidence, the clinical significance of this variant remains unclear.